The following is an entry in ClinVar:

ClinVar aggregate classification (germline): Uncertain significance (1 of 4 stars; one submission).

Conditions:
Sandhoff disease. Also called: Beta-hexosaminidase-beta-subunit deficiency; GM2 gangliosidosis, type 2; Total hexosaminidase deficiency; Sandhoff-Jatzkewitz-Pilz disease; GM2-GANGLIOSIDOSIS, TYPE II; HEXOSAMINIDASES A AND B DEFICIENCY. Identifiers: Orphanet 796, MedGen C0036161, MONDO:0010006, OMIM 268800.

Allele frequency attached by ClinVar (database versions not stated): gnomAD exomes below 0.00001; TOPMed below 0.00001.
gnomAD v4.1: 4 of 1,559,072 alleles (0.00026%); highest among the groups gnomAD compares: Non-Finnish European, 0.00035%; no homozygotes.

Submission:

Labcorp Genetics (formerly Invitae), Labcorp
Classification: Uncertain significance for Sandhoff disease. Last evaluated: 2022-06-05. Review status: criteria provided, single submitter. Criteria: Invitae Variant Classification Sherloc (09022015). Collection method: clinical testing. Allele origin: germline.
Comment: This sequence change replaces alanine, which is neutral and non-polar, with threonine, which is neutral and polar, at codon 97 of the HEXB protein (p.Ala97Thr). This variant is present in population databases (no rsID available, gnomAD 0.001%). This variant has not been reported in the literature in individuals affected with HEXB-related conditions. Advanced modeling of protein sequence and biophysical properties (such as structural, functional, and spatial information, amino acid conservation, physicochemical variation, residue mobility, and thermodynamic stability) performed at Invitae indicates that this missense variant is expected to disrupt HEXB protein function. In summary, the available evidence is currently insufficient to determine the role of this variant in disease. Therefore, it has been classified as a Variant of Uncertain Significance.

NM_000521.4(HEXB):c.289G>A (p.Ala97Thr)

Gene: HEXB (hexosaminidase subunit beta; plus strand). Cytogenetic location: 5q13.3.
Variant type: single nucleotide variant.
Coding change: c.289G>A on transcript NM_000521.4 (MANE Select); coding-DNA position 289, G replaced by A.
Protein change: p.Ala97Thr; replaces alanine 97 with threonine.
Molecular consequence: missense variant. On other transcripts: intron variant (1).
Genome position (GRCh38, 1-based): chr5:74,685,549, G>A. VCF-style: chr5-74685549-G-A. GRCh37 (hg19) VCF-style: chr5-73981374-G-A.
Other names: c.-376-3779G>A (NM_001292004.2); short protein forms A97T.
Identifiers: ClinVar variation 2139015 (VCV002139015.1), dbSNP rs1441401979, ClinGen allele CA360062516.
Genomic context (GRCh38, chr5:74,685,549, plus strand): 5'-TTCTACATCAGCCACAGCCCCAATTCCACGGCGGGCCCCTCCTGCACCCTGCTGGAGGAA[G>A]CGTTTCGACGGTGAGCGCTCCCGGCCCGGCCGGGAGTTGTCCTGGGGGAGGGGAGAGGCG-3'
Protein context (NP_000512.2, residues 87-107): AGPSCTLLEE[Ala97Thr]FRRYHGYIFG